The following is an entry in ClinVar:

NM_002471.4(MYH6):c.134_135del (p.Glu45fs)

Genes: MYH6 (myosin heavy chain 6; minus strand), LOC114827851 (VISTA enhancer hs2155; plus strand). Cytogenetic location: 14q11.2.
Variant type: Microsatellite.
Coding change: c.134_135del on transcript NM_002471.4 (MANE Select); coding-DNA positions 134 to 135, 2 bases deleted (AG; older notation c.134_135delAG).
Protein change: p.Glu45fs; shifts the reading frame from glutamic acid 45.
Molecular consequence: frameshift variant.
Genome position (GRCh38, 1-based): chr14:23,407,089-23,407,090, CT deleted on the plus strand (AG on the coding strand, the reverse complement: MYH6 is on the minus strand); deleting any 2 consecutive bases within chr14:23,407,089-23,407,092 gives the same sequence; the c. name uses the placement nearest the transcript's 3' end. VCF-style (leftmost placement, unchanged base first): chr14-23407088-ACT-A. GRCh37 (hg19) VCF-style: chr14-23876297-ACT-A.
Other names: c.132_133AG[1], p.Glu45Valfs (NM_002471.3); c.134_135delAG (NM_002471.3); short protein forms E45fs.
Identifiers: ClinVar variation 3222321 (VCV003222321.1), dbSNP rs1308376348, ClinGen allele CA704272232.
Genomic context (GRCh38, chr14:23,407,088, plus strand): 5'-CATTCTCGGTTTCAGCAATGACCTTGCCTCCCTCCCGGGACAAAATCTTGGCTTTGACAA[ACT>A]CTTCCTTGTCATCGGGCACGAAGCACTCAGTGCGAATGTCAAAGGGCCGGGTCTGGGCCT-3'

ClinVar aggregate classification (germline): Uncertain significance (1 of 4 stars; one submission).

Conditions:
Cardiovascular phenotype. Identifiers: MedGen CN230736.

Submission:

Ambry Genetics
Classification: Uncertain significance for Cardiovascular phenotype. Last evaluated: 2024-03-07. Review status: criteria provided, single submitter. Criteria: Ambry Variant Classification Scheme 2023. Collection method: clinical testing. Allele origin: germline.
Comment: The c.134_135delAG variant, located in coding exon 1 of the MYH6 gene, results from a deletion of two nucleotides at nucleotide positions 134 to 135, causing a translational frameshift with a predicted alternate stop codon (p.E45Vfs*17). This alteration is expected to result in protein truncation or nonsense-mediated mRNA decay. However, loss of function of MYH6 has not been established as a mechanism of disease. Based on the available evidence, the clinical significance of this alteration remains unclear.